The following is an entry in ClinVar:

ClinVar aggregate classification (germline): Benign (1 of 4 stars; one submission).

Conditions:
Triglyceride storage disease with ichthyosis (CDS). Also called: Dorfman-Chanarin disease; ICHTHYOSIFORM ERYTHRODERMA WITH LEUKOCYTE VACUOLATION; TRIGLYCERIDE STORAGE DISEASE WITH IMPAIRED LONG-CHAIN FATTY ACID OXIDATION; Chanarin-Dorfman Syndrome. Identifiers: Orphanet 98907, MedGen C0268238, MONDO:0010155, OMIM 275630.

Allele frequency attached by ClinVar (database versions not stated): gnomAD 0.04704 and 0.05074; TOPMed 0.05546; 1000 Genomes Project 0.08966; 1000 Genomes Project 30x 0.09010.

Submission:

Illumina Laboratory Services, Illumina
Classification: Benign for Triglyceride storage disease with ichthyosis. Last evaluated: 2018-01-13. Review status: criteria provided, single submitter. Criteria: ICSL Variant Classification Criteria 13 December 2019. Collection method: clinical testing. Allele origin: germline.
Comment: This variant was observed in the ICSL laboratory as part of a predisposition screen in an ostensibly healthy population. It had not been previously curated by ICSL or reported in the Human Gene Mutation Database (HGMD: prior to June 1st, 2018), and was therefore a candidate for classification through an automated scoring system. Utilizing variant allele frequency, disease prevalence and penetrance estimates, and inheritance mode, an automated score was calculated to assess if this variant is too frequent to cause the disease. Based on the score and internal cut-off values, a variant classified as benign is not then subjected to further curation. The score for this variant resulted in a classification of benign for this disease.

NM_016006.6(ABHD5):c.*3952T>C

Gene: ABHD5 (abhydrolase domain containing 5, lysophosphatidic acid acyltransferase; plus strand). Cytogenetic location: 3p21.33.
Variant type: single nucleotide variant.
Coding change: c.*3952T>C on transcript NM_016006.6 (MANE Select); 3952 bases downstream of the stop codon, T replaced by C.
Molecular consequence: 3 prime UTR variant. On other transcripts: non-coding transcript variant (1), intron variant (1).
Genome position (GRCh38, 1-based): chr3:43,722,484, T>C. VCF-style: chr3-43722484-T-C. GRCh37 (hg19) VCF-style: chr3-43763976-T-C.
Other names: c.*3952T>C (NM_001365649.1); c.*3978T>C (NM_001365650.1); c.29+3923T>C (NM_001355186.2).
Identifiers: ClinVar variation 345283 (VCV000345283.5), dbSNP rs758729, ClinGen allele CA10615921.